The following is an entry in ClinVar:

NM_007118.4(TRIO):c.80G>T (p.Gly27Val)

Gene: TRIO (trio Rho guanine nucleotide exchange factor; plus strand). Cytogenetic location: 5p15.2.
Variant type: single nucleotide variant.
Coding change: c.80G>T on transcript NM_007118.4 (MANE Select); coding-DNA position 80, G replaced by T.
Protein change: p.Gly27Val; replaces glycine 27 with valine.
Molecular consequence: missense variant. On other transcripts: non-coding transcript variant (1).
Genome position (GRCh38, 1-based): chr5:14,143,805, G>T. VCF-style: chr5-14143805-G-T. GRCh37 (hg19) VCF-style: chr5-14143914-G-T.
Other names: short protein forms G27V.
Identifiers: ClinVar variation 932104 (VCV000932104.3), dbSNP rs1188365621, ClinGen allele CA359283275.
Genomic context (GRCh38, chr5:14,143,805, plus strand): 5'-GAGCCGCCGCCCCCGCCGCGTCCTCCGGCCCCGCCGCGGCGGCCAGCGCGGCTGGCTCGG[G>T]CTGCGGGGGCGGTGCCGGCGAGGGGGCAGAGGAGGCGGCCAAGGACCTGGCCGACATCGC-3'
Protein context (NP_009049.2, residues 17-37): PAAAASAAGS[Gly27Val]CGGGAGEGAE

ClinVar aggregate classification (germline): Uncertain significance (1 of 4 stars; one submission).

Conditions:
Intellectual developmental disorder, autosomal dominant 63, with macrocephaly. Also called: MENTAL RETARDATION, AUTOSOMAL DOMINANT 63, WITH MACROCEPHALY. Identifiers: MedGen C5394205, MONDO:0032939, OMIM 618825.

Allele frequency attached by ClinVar (database versions not stated): gnomAD 0.00001; TOPMed 0.00001.
gnomAD v4.1: 3 of 1,052,046 alleles (0.00029%); highest among the groups gnomAD compares: Non-Finnish European, 0.00034%; no homozygotes.

Submission:

Centre for Mendelian Genomics, University Medical Centre Ljubljana
Classification: Uncertain significance for Intellectual developmental disorder, autosomal dominant 63, with macrocephaly. Last evaluated: 2019-06-11. Review status: criteria provided, single submitter. Criteria: ACMG Guidelines, 2015. Collection method: clinical testing. Allele origin: unknown. Affected: yes.
Comment: This variant was classified as: Uncertain significance. The available evidence on this variant's pathogenicity is insufficient or conflicting. The following ACMG criteria were applied in classifying this variant: PM2.